The following is an entry in ClinVar:

ClinVar aggregate classification (germline): Likely pathogenic (1 of 4 stars; one submission).

gnomAD v4.1: 1 of 1,611,126 alleles (0.000062%); highest among the groups gnomAD compares: Non-Finnish European, 0.000085%; no homozygotes.

Submission:

Labcorp Genetics (formerly Invitae), Labcorp
Classification: Likely pathogenic. Last evaluated: 2025-03-17. Review status: criteria provided, single submitter. Criteria: Invitae Variant Classification Sherloc (09022015). Collection method: clinical testing. Allele origin: germline.
Comment: This sequence change affects a donor splice site in intron 15 of the NTRK2 gene. It is expected to disrupt RNA splicing. Variants that disrupt the donor or acceptor splice site typically lead to a loss of protein function (PMID: 16199547), and loss-of-function variants in NTRK2 are known to be pathogenic (PMID: 23512795, 27884935). This variant is not present in population databases (gnomAD no frequency). This variant has not been reported in the literature in individuals affected with NTRK2-related conditions. ClinVar contains an entry for this variant (Variation ID: 1977550). Algorithms developed to predict the effect of sequence changes on RNA splicing suggest that this variant may disrupt the consensus splice site. In summary, the currently available evidence indicates that the variant is pathogenic, but additional data are needed to prove that conclusively. Therefore, this variant has been classified as Likely Pathogenic.

Literature cited by the submitters: PubMed 16199547; PubMed 23512795; PubMed 27884935.

NM_006180.6(NTRK2):c.1444+1G>A

Gene: NTRK2 (neurotrophic receptor tyrosine kinase 2; plus strand). Cytogenetic location: 9q21.33.
Variant type: single nucleotide variant.
Coding change: c.1444+1G>A on transcript NM_006180.6 (MANE Select); the canonical splice donor site of the intron after coding-DNA position 1444, G replaced by A.
Molecular consequence: splice donor variant. On other transcripts: intron variant (7).
Genome position (GRCh38, 1-based): chr9:84,861,088, G>A. VCF-style: chr9-84861088-G-A. GRCh37 (hg19) VCF-style: chr9-87476003-G-A.
Other names: c.1397-6155G>A (NM_001369532.1, NM_001369533.1, NM_001018066.3 and 2 more transcripts); c.1444+1G>A (NM_001369537.1, NM_001018065.2); c.1361-6155G>A (NM_001369534.1); c.976+1G>A (NM_001369536.1); c.929-6155G>A (NM_001369535.1).
Identifiers: ClinVar variation 1977550 (VCV001977550.5), dbSNP rs756500934, ClinGen allele CA374010546.